The following is an entry in ClinVar:

ClinVar aggregate classification (germline): Uncertain significance (1 of 4 stars; one submission).

Allele frequency attached by ClinVar (database versions not stated): gnomAD 0.00001; gnomAD exomes 0.00001; TOPMed 0.00002; ExAC 0.00005.

Submission:

Labcorp Genetics (formerly Invitae), Labcorp
Classification: Uncertain significance. Last evaluated: 2022-08-10. Review status: criteria provided, single submitter. Criteria: Invitae Variant Classification Sherloc (09022015). Collection method: clinical testing. Allele origin: germline.
Comment: This sequence change replaces alanine, which is neutral and non-polar, with threonine, which is neutral and polar, at codon 827 of the WHSC1 protein (p.Ala827Thr). This variant is present in population databases (rs776114283, gnomAD 0.01%), including at least one homozygous and/or hemizygous individual. This variant has not been reported in the literature in individuals affected with WHSC1-related conditions. Algorithms developed to predict the effect of missense changes on protein structure and function output the following: SIFT: "Tolerated"; PolyPhen-2: "Benign"; Align-GVGD: "Class C0". The threonine amino acid residue is found in multiple mammalian species, which suggests that this missense change does not adversely affect protein function. In summary, the available evidence is currently insufficient to determine the role of this variant in disease. Therefore, it has been classified as a Variant of Uncertain Significance.

NM_001042424.3(NSD2):c.2479G>A (p.Ala827Thr)

Gene: NSD2 (nuclear receptor binding SET domain protein 2; plus strand). Cytogenetic location: 4p16.3.
Variant type: single nucleotide variant.
Coding change: c.2479G>A on transcript NM_001042424.3 (MANE Select); coding-DNA position 2479, G replaced by A.
Protein change: p.Ala827Thr; replaces alanine 827 with threonine.
Molecular consequence: missense variant.
Genome position (GRCh38, 1-based): chr4:1,955,301, G>A. VCF-style: chr4-1955301-G-A. GRCh37 (hg19) VCF-style: chr4-1957028-G-A.
Other names: c.2479G>A, p.Ala827Thr (NM_133330.3, NM_133331.3, NM_133335.4); short protein forms A827T.
Identifiers: ClinVar variation 2170949 (VCV002170949.4), dbSNP rs776114283, ClinGen allele CA2812475.